The following is an entry in ClinVar:

NM_024528.4(NKAP):c.998G>A (p.Arg333Gln)

Gene: NKAP (NFKB activating protein; minus strand). Cytogenetic location: Xq24.
Variant type: single nucleotide variant.
Coding change: c.998G>A on transcript NM_024528.4 (MANE Select); coding-DNA position 998, G replaced by A.
Protein change: p.Arg333Gln; replaces arginine 333 with glutamine.
Molecular consequence: missense variant.
Genome position (GRCh38, 1-based): chrX:119,930,091, C>T on the plus strand (G>A on the coding strand, the complement: NKAP is on the minus strand). VCF-style: chrX-119930091-C-T. GRCh37 (hg19) VCF-style: chrX-119064054-C-T.
Other names: c.998G>A (NM_024528.3); short protein forms R333Q.
Identifiers: ClinVar variation 827653 (VCV000827653.9), dbSNP rs1603379779, ClinGen allele CA414193300.

ClinVar aggregate classification (germline): Pathogenic/Likely pathogenic. Review status: criteria provided, multiple submitters, no conflicts (2 of 4 stars). 6 submissions from 6 submitters: Pathogenic (1); Likely pathogenic (3). 2 of the submissions do not count toward it. Last evaluated 2025-08-21.

Conditions:
Intellectual developmental disorder, X-linked, syndromic, Hackmann-Di Donato type. Also called: MENTAL RETARDATION, X-LINKED, WITH MARFANOID HABITUS, 2. Identifiers: Orphanet 700325, MedGen C5393302, MONDO:0026733, OMIM 301039.

Submissions (6):

GeneDx
Classification: Likely pathogenic. Last evaluated: 2025-08-21. Review status: criteria provided, single submitter. Criteria: GeneDx Variant Classification Process June 2021. Collection method: clinical testing. Allele origin: germline.
Comment: Not observed at significant frequency in large population cohorts (gnomAD); In silico analysis supports that this missense variant has a deleterious effect on protein structure/function; This variant is associated with the following publications: (PMID: 26358559, 38348832, 38647244, 31587868)

3billion
Classification: Pathogenic for Intellectual developmental disorder, X-linked, syndromic, Hackmann-Di Donato type. Last evaluated: 2025-06-27. Review status: criteria provided, single submitter. Criteria: ACMG Guidelines, 2015. Collection method: clinical testing. Allele origin: germline. Affected: yes.
Comment: The variant is not observed in the gnomAD v4.1.0 dataset. Predicted Consequence/Location: Missense variant The same nucleotide change resulting in the same amino acid change has been previously reported as pathogenic/likely pathogenic with strong evidence (ClinVar ID: VCV000827653 /PMID: 31587868). The variant has been previously reported as de novo in a similarly affected individual (PMID: 31587868). Therefore, this variant is classified as Pathogenic according to the recommendation of ACMG/AMP guideline.

Fulgent Genetics
Classification: Likely pathogenic for Intellectual developmental disorder, X-linked, syndromic, Hackmann-Di Donato type. Last evaluated: 2021-08-19. Review status: criteria provided, single submitter. Criteria: ACMG Guidelines, 2015. Collection method: clinical testing. Allele origin: unknown.

Juno Genomics, Hangzhou Juno Genomics, Inc
Classification: Likely pathogenic for Intellectual developmental disorder, X-linked, syndromic, Hackmann-Di Donato type. Review status: criteria provided, single submitter. Criteria: ACMG Guidelines, 2015. Collection method: clinical testing. Allele origin: germline. Affected: yes.
Comment: Absent from controls (or at extremely low frequency if recessive) in Genome Aggregation Database, Exome Sequencing Project, 1000 Genomes Project, or Exome Aggregation Consortium.;The prevalence of the variant in affected individuals is significantly increased compared to the prevalence in controls.;De novo (both maternity and paternity confirmed) in a patient with the disease and no family history.;Well-established in vitro or in vivo functional studies supportive of a damaging effect on the gene or gene product.

Center for Human Genetics, Cliniques Universitaires Saint Luc
Classification: Pathogenic for Intellectual developmental disorder, X-linked, syndromic, Hackmann-Di Donato type. Last evaluated: 2025-02-28. Review status: no assertion criteria provided. Collection method: clinical testing. Allele origin: maternal. Inheritance: X-linked recessive inheritance. Affected: yes. Observed: 1 variant allele, 1 hemizygote. Not counted in ClinVar's aggregate classification.
Comment: The variant is absent from gnomAD v4.1.0. It has previously been reported as probably pathogenic/pathogenic, either de novo or inherited, in individuals with a similar phenotype (PMIDs: 26358559 and 31587868). Thus, the variant is significantly enriched in affected individuals compared with population controls. This case is published in PMID: 42481913.

OMIM
Classification: Pathogenic for INTELLECTUAL DEVELOPMENTAL DISORDER, X-LINKED, SYNDROMIC, HACKMANN-DI DONATO TYPE. Last evaluated: 2020-03-17. Review status: no assertion criteria provided. Collection method: literature only. Allele origin: germline. Not counted in ClinVar's aggregate classification.

Literature cited by the submitters: PubMed 31587868 (cited by 3 submitters); PubMed 26358559 (cited by Center for Human Genetics, Cliniques Universitaires Saint Luc and OMIM).